The following is an entry in ClinVar:

NM_014283.5(SUCO):c.3559C>A (p.Leu1187Met)

Gene: SUCO (SUN domain containing ossification factor; plus strand). Cytogenetic location: 1q24.3.
Variant type: single nucleotide variant.
Coding change: c.3559C>A on transcript NM_014283.5 (MANE Select); coding-DNA position 3559, C replaced by A.
Protein change: p.Leu1187Met; replaces leucine 1187 with methionine.
Molecular consequence: missense variant.
Genome position (GRCh38, 1-based): chr1:172,610,053, C>A. VCF-style: chr1-172610053-C-A. GRCh37 (hg19) VCF-style: chr1-172579193-C-A.
Other names: c.2446C>A, p.Leu816Met (NM_001282750.2); c.1870C>A, p.Leu624Met (NM_001282751.2); c.4012C>A, p.Leu1338Met (NM_016227.4); short protein forms L1338M, L816M, L1187M, L624M.
Identifiers: ClinVar variation 2821229 (VCV002821229.3), dbSNP rs2527517259, ClinGen allele CA343753289.
Genomic context (GRCh38, chr1:172,610,053, plus strand): 5'-TCAGAAACTTCATCACAGTCAGAAGAGTCCTATTTTTGTGGCATTTCAGCTTGCACAAGT[C>A]TGTGCAATGGACAGTCTCAAAAGACAAAAACTGAGAAGAGGGCTTTAAAACGAAGACGAT-3'
Protein context (NP_055098.1, residues 1177-1197): YFCGISACTS[Leu1187Met]CNGQSQKTKT

ClinVar aggregate classification (germline): Uncertain significance (1 of 4 stars; one submission).

Submission:

Labcorp Genetics (formerly Invitae), Labcorp
Classification: Uncertain significance. Last evaluated: 2022-12-21. Review status: criteria provided, single submitter. Criteria: Invitae Variant Classification Sherloc (09022015). Collection method: clinical testing. Allele origin: germline.
Comment: This sequence change replaces leucine, which is neutral and non-polar, with methionine, which is neutral and non-polar, at codon 1187 of the SUCO protein (p.Leu1187Met). This variant is not present in population databases (gnomAD no frequency). This variant has not been reported in the literature in individuals affected with SUCO-related conditions. Algorithms developed to predict the effect of missense changes on protein structure and function are either unavailable or do not agree on the potential impact of this missense change (SIFT: "Tolerated"; PolyPhen-2: "Probably Damaging"; Align-GVGD: "Class C0"). In summary, the available evidence is currently insufficient to determine the role of this variant in disease. Therefore, it has been classified as a Variant of Uncertain Significance.